The following is an entry in ClinVar:

ClinVar aggregate classification (germline): Likely benign (1 of 4 stars; one submission).

Submission:

CeGaT Center for Human Genetics Tuebingen
Classification: Likely benign. Last evaluated: 2023-03-01. Review status: criteria provided, single submitter. Criteria: CeGaT Center For Human Genetics Tuebingen Variant Classification Criteria Version 2. Collection method: clinical testing. Allele origin: germline. Affected: yes. Observed: 1 variant allele.
Comment: GLS: PM2:Supporting, BP4, BP7

NM_014905.5(GLS):c.921A>G (p.Arg307=)

Gene: GLS (glutaminase; plus strand). Cytogenetic location: 2q32.2.
Variant type: single nucleotide variant.
Coding change: c.921A>G on transcript NM_014905.5 (MANE Select); coding-DNA position 921, A replaced by G.
Protein change: p.Arg307=; no amino-acid change (arginine 307 retained).
Molecular consequence: synonymous variant.
Genome position (GRCh38, 1-based): chr2:190,905,109, A>G. VCF-style: chr2-190905109-A-G. GRCh37 (hg19) VCF-style: chr2-191769835-A-G.
Other names: c.921A>G, p.Arg307= (NM_001256310.2).
Identifiers: ClinVar variation 2651766 (VCV002651766.24), dbSNP rs2470259661, ClinGen allele CA430330768.